The following is an entry in ClinVar:

NM_001372051.1(CASP8):c.311T>C (p.Met104Thr)

Gene: CASP8 (caspase 8; plus strand). Cytogenetic location: 2q33.1.
Variant type: single nucleotide variant.
Coding change: c.311T>C on transcript NM_001372051.1 (MANE Select); coding-DNA position 311, T replaced by C.
Protein change: p.Met104Thr; replaces methionine 104 with threonine.
Molecular consequence: missense variant. On other transcripts: initiator codon variant (1), 5 prime UTR variant (11), non-coding transcript variant (19).
Genome position (GRCh38, 1-based): chr2:201,271,521, T>C. VCF-style: chr2-201271521-T-C. GRCh37 (hg19) VCF-style: chr2-202136244-T-C.
Other names: c.311T>C, p.Met104Thr (NM_001080124.2, NM_001400645.1, NM_001400648.1 and 20 more transcripts); c.488T>C, p.Met163Thr (NM_001080125.2, NM_001400642.1, NM_001400665.1); c.407T>C, p.Met136Thr (NM_001228.5); c.2T>C, p.Met1Thr (NM_001400669.1); c.-222T>C (NM_001400671.1, NM_001400672.1, NM_001400673.1 and 6 more transcripts); c.-403T>C (NM_001400674.1); c.-301T>C (NM_001400680.1); short protein forms M104T, M136T, M163T, M1T.
Identifiers: ClinVar variation 1374355 (VCV001374355.5), dbSNP rs1387029323, ClinGen allele CA350286680.

ClinVar aggregate classification (germline): Uncertain significance. Review status: criteria provided, multiple submitters, no conflicts (2 of 4 stars). 2 submissions from 2 submitters: Uncertain significance (2). Last evaluated 2024-11-18.

Conditions:
Inborn genetic diseases. Identifiers: MedGen C0950123, MeSH D030342.
Autoimmune lymphoproliferative syndrome type 2B. Also called: AUTOIMMUNE LYMPHOPROLIFERATIVE SYNDROME, TYPE IIB. Identifiers: Orphanet 275517, MedGen C1846545, MONDO:0011804, OMIM 607271.

Allele frequency attached by ClinVar (database versions not stated): gnomAD exomes below 0.00001 and 0.00001.

Submissions (2):

Ambry Genetics
Classification: Uncertain significance for Inborn genetic diseases. Last evaluated: 2024-11-18. Review status: criteria provided, single submitter. Criteria: Ambry Variant Classification Scheme 2023. Collection method: clinical testing. Allele origin: germline.

Labcorp Genetics (formerly Invitae), Labcorp
Classification: Uncertain significance for Autoimmune lymphoproliferative syndrome type 2B. Last evaluated: 2022-09-26. Review status: criteria provided, single submitter. Criteria: Invitae Variant Classification Sherloc (09022015). Collection method: clinical testing. Allele origin: germline.
Comment: This sequence change replaces methionine, which is neutral and non-polar, with threonine, which is neutral and polar, at codon 136 of the CASP8 protein (p.Met136Thr). This variant is present in population databases (no rsID available, gnomAD 0.006%). This variant has not been reported in the literature in individuals affected with CASP8-related conditions. ClinVar contains an entry for this variant (Variation ID: 1374355). Advanced modeling of protein sequence and biophysical properties (such as structural, functional, and spatial information, amino acid conservation, physicochemical variation, residue mobility, and thermodynamic stability) performed at Invitae indicates that this missense variant is expected to disrupt CASP8 protein function. In summary, the available evidence is currently insufficient to determine the role of this variant in disease. Therefore, it has been classified as a Variant of Uncertain Significance.